The following is an entry in ClinVar:

ClinVar aggregate classification (germline): Conflicting classifications of pathogenicity. Review status: criteria provided, conflicting classifications (1 of 4 stars). 8 submissions from 8 submitters: Uncertain significance (1); Likely benign (7). Last evaluated 2026-01-09.

Conditions:
DNMT1-related disorder. Also called: DNMT1-related condition. Identifiers: MedGen CN381527.
Hereditary sensory neuropathy-deafness-dementia syndrome. Also called: HSN IE; Hereditary sensory neuropathy type IE; Hereditary Sensory and Autonomic Neuropathy Type 1E (HSAN1E); NEUROPATHY, HEREDITARY SENSORY, WITH HEARING LOSS AND DEMENTIA. Identifiers: Orphanet 456318, MedGen C3279885, MONDO:0013584, OMIM 614116.

Allele frequency attached by ClinVar (database versions not stated): ESP Exome Variant Server 0.00008; ExAC 0.00010; gnomAD exomes 0.00010 and 0.00011; TOPMed 0.00012; gnomAD 0.00013.
gnomAD v4.1: 190 of 1,614,080 alleles (0.012%); highest among the groups gnomAD compares: Non-Finnish European, 0.014%; no homozygotes.

Submissions (8):

Labcorp Genetics (formerly Invitae), Labcorp
Classification: Likely benign for Hereditary sensory neuropathy-deafness-dementia syndrome. Last evaluated: 2026-01-09. Review status: criteria provided, single submitter. Criteria: Invitae Variant Classification Sherloc (09022015). Collection method: clinical testing. Allele origin: germline.

CeGaT Center for Human Genetics Tuebingen
Classification: Likely benign. Last evaluated: 2026-01-01. Review status: criteria provided, single submitter. Criteria: CeGaT Center For Human Genetics Tuebingen Variant Classification Criteria Version 2. Collection method: clinical testing. Allele origin: germline. Affected: yes. Observed: 2 variant alleles.
Comment: DNMT1: BP4, BP7

PreventionGenetics, part of Exact Sciences
Classification: Likely benign for DNMT1-related condition. Last evaluated: 2025-07-15. Review status: criteria provided, single submitter. Criteria: ACMG Guidelines, 2015. Collection method: clinical testing. Allele origin: germline.
Comment: This variant is classified as likely benign based on ACMG/AMP sequence variant interpretation guidelines (Richards et al. 2015 PMID: 25741868, with internal and published modifications).

Mayo Clinic Laboratories, Mayo Clinic
Classification: Likely benign. Last evaluated: 2025-01-29. Review status: criteria provided, single submitter. Criteria: ACMG Guidelines, 2015. Collection method: clinical testing. Allele origin: germline. Observed: 1 variant allele.
Comment: BS2, BP4, BP5, BP7

Blueprint Genetics
Classification: Likely benign. Last evaluated: 2024-08-19. Review status: criteria provided, single submitter. Criteria: ACMG Guidelines, 2015. Collection method: clinical testing. Allele origin: germline.

GeneDx
Classification: Likely benign. Last evaluated: 2020-11-05. Review status: criteria provided, single submitter. Criteria: GeneDx Variant Classification Process June 2021. Collection method: clinical testing. Allele origin: germline. Affected: yes.

ARUP Laboratories, Molecular Genetics and Genomics, ARUP Laboratories
Classification: Likely benign. Last evaluated: 2019-11-11. Review status: criteria provided, single submitter. Criteria: ARUP Molecular Germline Variant Investigation Process. Collection method: clinical testing. Allele origin: germline.

Illumina Laboratory Services, Illumina
Classification: Uncertain significance for Hereditary sensory neuropathy-deafness-dementia syndrome. Last evaluated: 2018-01-15. Review status: criteria provided, single submitter. Criteria: ICSL Variant Classification Criteria 13 December 2019. Collection method: clinical testing. Allele origin: germline.

NM_001130823.3(DNMT1):c.2667C>T (p.Tyr889=)

Gene: DNMT1 (DNA methyltransferase 1; minus strand). Cytogenetic location: 19p13.2.
Variant type: single nucleotide variant.
Coding change: c.2667C>T on transcript NM_001130823.3 (MANE Select); coding-DNA position 2667, C replaced by T.
Protein change: p.Tyr889=; no amino-acid change (tyrosine 889 retained).
Molecular consequence: synonymous variant.
Genome position (GRCh38, 1-based): chr19:10,148,937, G>A on the plus strand (C>T on the coding strand, the complement: DNMT1 is on the minus strand). VCF-style: chr19-10148937-G-A. GRCh37 (hg19) VCF-style: chr19-10259613-G-A.
Other names: p.Tyr889=; c.2667C>T (NM_001130823.2, LRG_362t1); c.2619C>T, p.Tyr873= (NM_001318730.2, NM_001379.4); c.2304C>T, p.Tyr768= (NM_001318731.2).
Identifiers: ClinVar variation 539613 (VCV000539613.42), dbSNP rs199832007, ClinGen allele CA9187979.